The following is an entry in ClinVar:

ClinVar aggregate classification (germline): Uncertain significance (1 of 4 stars; one submission).

Conditions:
ATXN7-related disorder. Also called: ATXN7-related condition.

gnomAD v4.1: 9 of 1,614,226 alleles (0.00056%); highest among the groups gnomAD compares: Admixed American, 0.0017%; no homozygotes.

Submission:

PreventionGenetics, part of Exact Sciences
Classification: Uncertain significance for ATXN7-related condition. Last evaluated: 2024-11-12. Review status: criteria provided, single submitter. Criteria: ACMG Guidelines, 2015. Collection method: clinical testing. Allele origin: germline.
Comment: The ATXN7 c.1748C>A variant is predicted to result in the amino acid substitution p.Ser583Tyr. To our knowledge, this variant has not been reported in the literature. This variant is reported in 0.0029% of alleles in individuals of Latino descent in gnomAD. At this time, the clinical significance of this variant is uncertain due to the absence of conclusive functional and genetic evidence.

NM_001377405.1(ATXN7):c.1748C>A (p.Ser583Tyr)

Gene: ATXN7 (ataxin 7; plus strand). Cytogenetic location: 3p14.1.
Variant type: single nucleotide variant.
Coding change: c.1748C>A on transcript NM_001377405.1 (MANE Select); coding-DNA position 1748, C replaced by A.
Protein change: p.Ser583Tyr; replaces serine 583 with tyrosine.
Molecular consequence: missense variant.
Genome position (GRCh38, 1-based): chr3:63,995,570, C>A. VCF-style: chr3-63995570-C-A. GRCh37 (hg19) VCF-style: chr3-63981246-C-A.
Other names: c.1748C>A, p.Ser583Tyr (NM_000333.4, NM_001177387.1, NM_001377406.1); c.1313C>A, p.Ser438Tyr (NM_001128149.3); short protein forms S438Y, S583Y.
Identifiers: ClinVar variation 4978936 (VCV004978936.1).
Genomic context (GRCh38, chr3:63,995,570, plus strand): 5'-TCCCACCAGTGCCCAGTACCACCTCACCCATCTCCACACGTATTCCTCACCGGACAAACT[C>A]TGTGCCGACATCACAATGTGGAGTCAGCTATCTGGCAGCAGCCACCGTCTCTACATCCCC-3'
Protein context (NP_001364334.1, residues 573-593): ISTRIPHRTN[Ser583Tyr]VPTSQCGVSY